The following is an entry in ClinVar:

ClinVar aggregate classification (germline): Uncertain significance (1 of 4 stars; one submission).

Allele frequency attached by ClinVar (database versions not stated): gnomAD 0.00001 and 0.00003; gnomAD exomes 0.00001; ExAC 0.00001.

Submission:

GeneDx
Classification: Uncertain significance. Last evaluated: 2013-06-07. Review status: criteria provided, single submitter. Criteria: GeneDx Variant Classification (06012015). Collection method: clinical testing. Allele origin: germline. Affected: yes.
Comment: p.Arg168Gln (CGG>CAG): c.503 G>A in exon 3 of the MRPS22 gene (NM_020191.2). A variant of unknown significance has been identified in the MRPS22 gene. The R168Q missense substitution has not been published as a mutation, nor has it been reported as a benign polymorphism to our knowledge. R168Q is a non-conservative amino acid substitution as a positively charged Arginine residue is replaced by an uncharged Glutamine residue, and the change occurs at a position in the MRPS22 gene that is highly conserved across species. However, in silico algorithms are not consistent in their predictions of whether or not R168Q is damaging to the structure/function of the MRPS22 protein. Therefore, based on the currently available information, it is unclear whether R168Q is a disease-causing mutation or a rare benign variant. The variant is found in MITONUC-MITOP panel(s).

NM_020191.4(MRPS22):c.503G>A (p.Arg168Gln)

Gene: MRPS22 (mitochondrial ribosomal protein S22; plus strand). Cytogenetic location: 3q23.
Variant type: single nucleotide variant.
Coding change: c.503G>A on transcript NM_020191.4 (MANE Select); coding-DNA position 503, G replaced by A.
Protein change: p.Arg168Gln; replaces arginine 168 with glutamine.
Molecular consequence: missense variant.
Genome position (GRCh38, 1-based): chr3:139,348,323, G>A. VCF-style: chr3-139348323-G-A. GRCh37 (hg19) VCF-style: chr3-139067165-G-A.
Other names: p.R168Q:CGG>CAG; c.380G>A, p.Arg127Gln (NM_001363857.1); c.500G>A, p.Arg167Gln (NM_001363893.1); short protein forms R168Q, R127Q, R167Q.
Identifiers: ClinVar variation 214682 (VCV000214682.2), dbSNP rs765657972, ClinGen allele CA324260.